The following is an entry in ClinVar:

NM_000095.3(COMP):c.1404C>G (p.Cys468Trp)

Gene: COMP (cartilage oligomeric matrix protein; minus strand). Cytogenetic location: 19p13.11.
Variant type: single nucleotide variant.
Coding change: c.1404C>G on transcript NM_000095.3 (MANE Select); coding-DNA position 1404, C replaced by G.
Protein change: p.Cys468Trp; replaces cysteine 468 with tryptophan.
Molecular consequence: missense variant.
Genome position (GRCh38, 1-based): chr19:18,786,050, G>C on the plus strand (C>G on the coding strand, the complement: COMP is on the minus strand). VCF-style: chr19-18786050-G-C. GRCh37 (hg19) VCF-style: chr19-18896860-G-C.
Other names: short protein forms C468W.
Identifiers: ClinVar variation 1478021 (VCV001478021.8), dbSNP rs375031149, ClinGen allele CA404884653.
Genomic context (GRCh38, chr19:18,786,050, plus strand): 5'-AGGCACCAGGCGGCAGTTGTCCCGACTGTCAGGGACTCCGTCATTGTCGTCGTCGTCGTC[G>C]CAGGCATCACCCTGGCCATCGTGGTCTGAGTCCTCCTGGGCACTGTTAGGCACCGTGGGA-3'
Protein context (NP_000086.2, residues 458-478): DSDHDGQGDA[Cys468Trp]DDDDDNDGVP

ClinVar aggregate classification (germline): Uncertain significance (1 of 4 stars; one submission).

Submission:

Labcorp Genetics (formerly Invitae), Labcorp
Classification: Uncertain significance. Last evaluated: 2022-11-22. Review status: criteria provided, single submitter. Criteria: Invitae Variant Classification Sherloc (09022015). Collection method: clinical testing. Allele origin: germline.
Comment: In summary, the available evidence is currently insufficient to determine the role of this variant in disease. Therefore, it has been classified as a Variant of Uncertain Significance. Advanced modeling of protein sequence and biophysical properties (such as structural, functional, and spatial information, amino acid conservation, physicochemical variation, residue mobility, and thermodynamic stability) performed at Invitae indicates that this missense variant is expected to disrupt COMP protein function. This variant has not been reported in the literature in individuals affected with COMP-related conditions. This variant is not present in population databases (gnomAD no frequency). This sequence change replaces cysteine, which is neutral and slightly polar, with tryptophan, which is neutral and slightly polar, at codon 468 of the COMP protein (p.Cys468Trp).